The following is an entry in ClinVar:

NM_001008216.2(GALE):c.652G>T (p.Gly218Trp)

Gene: GALE (UDP-galactose-4-epimerase; minus strand). Cytogenetic location: 1p36.11.
Variant type: single nucleotide variant.
Coding change: c.652G>T on transcript NM_001008216.2 (MANE Select); coding-DNA position 652, G replaced by T.
Protein change: p.Gly218Trp; replaces glycine 218 with tryptophan.
Molecular consequence: missense variant.
Genome position (GRCh38, 1-based): chr1:23,796,933, C>A on the plus strand (G>T on the coding strand, the complement: GALE is on the minus strand). VCF-style: chr1-23796933-C-A. GRCh37 (hg19) VCF-style: chr1-24123423-C-A.
Other names: c.652G>T, p.Gly218Trp (NM_000403.4, NM_001127621.2); short protein forms G218W.
Identifiers: ClinVar variation 3336888 (VCV003336888.2).

ClinVar aggregate classification (germline): Uncertain significance. Review status: criteria provided, multiple submitters, no conflicts (2 of 4 stars). 2 submissions from 2 submitters: Uncertain significance (2). Last evaluated 2025-06-22.

Conditions:
UDPglucose-4-epimerase deficiency. Also called: UDP-GALACTOSE-4-EPIMERASE DEFICIENCY; Galactose epimerase deficiency; UDPglucose 4-Epimerase Deficiency Disease; GALACTOSEMIA III; GALE DEFICIENCY; Epimerase Deficiency Galactosemia. Identifiers: Orphanet 352, Orphanet 79238, MedGen C0751161, MONDO:0009257, OMIM 230350.

gnomAD v4.1: 3 of 1,613,412 alleles (0.00019%); highest among the groups gnomAD compares: Non-Finnish European, 0.00025%; no homozygotes.

Submissions (2):

Labcorp Genetics (formerly Invitae), Labcorp
Classification: Uncertain significance for UDPglucose-4-epimerase deficiency. Last evaluated: 2025-06-22. Review status: criteria provided, single submitter. Criteria: Invitae Variant Classification Sherloc (09022015). Collection method: clinical testing. Allele origin: germline.
Comment: This sequence change replaces glycine, which is neutral and non-polar, with tryptophan, which is neutral and slightly polar, at codon 218 of the GALE protein (p.Gly218Trp). This variant is not present in population databases (gnomAD no frequency). This variant has not been reported in the literature in individuals affected with GALE-related conditions. ClinVar contains an entry for this variant (Variation ID: 3336888). Invitae Evidence Modeling of protein sequence and biophysical properties (such as structural, functional, and spatial information, amino acid conservation, physicochemical variation, residue mobility, and thermodynamic stability) indicates that this missense variant is expected to disrupt GALE protein function with a positive predictive value of 80%. In summary, the available evidence is currently insufficient to determine the role of this variant in disease. Therefore, it has been classified as a Variant of Uncertain Significance.

Clinical Genetics Laboratory, Skane University Hospital Lund
Classification: Uncertain significance. Last evaluated: 2022-05-27. Review status: criteria provided, single submitter. Criteria: ACMG Guidelines, 2015. Collection method: clinical testing. Allele origin: germline. Affected: yes.